The following is an entry in ClinVar:

ClinVar aggregate classification (germline): Uncertain significance (1 of 4 stars; one submission).

Allele frequency attached by ClinVar (database versions not stated): gnomAD exomes below 0.00001; ExAC 0.00001.

Submission:

Labcorp Genetics (formerly Invitae), Labcorp
Classification: Uncertain significance. Last evaluated: 2022-06-20. Review status: criteria provided, single submitter. Criteria: Invitae Variant Classification Sherloc (09022015). Collection method: clinical testing. Allele origin: germline.
Comment: In summary, the available evidence is currently insufficient to determine the role of this variant in disease. Therefore, it has been classified as a Variant of Uncertain Significance. Advanced modeling of protein sequence and biophysical properties (such as structural, functional, and spatial information, amino acid conservation, physicochemical variation, residue mobility, and thermodynamic stability) performed at Invitae indicates that this missense variant is not expected to disrupt CDHR1 protein function. ClinVar contains an entry for this variant (Variation ID: 864242). This variant has not been reported in the literature in individuals affected with CDHR1-related conditions. This variant is present in population databases (rs763318304, gnomAD 0.0009%). This sequence change replaces serine, which is neutral and polar, with asparagine, which is neutral and polar, at codon 187 of the CDHR1 protein (p.Ser187Asn).

NM_033100.4(CDHR1):c.560G>A (p.Ser187Asn)

Gene: CDHR1 (cadherin related family member 1; plus strand). Cytogenetic location: 10q23.1.
Variant type: single nucleotide variant.
Coding change: c.560G>A on transcript NM_033100.4 (MANE Select); coding-DNA position 560, G replaced by A.
Protein change: p.Ser187Asn; replaces serine 187 with asparagine.
Molecular consequence: missense variant.
Genome position (GRCh38, 1-based): chr10:84,201,841, G>A. VCF-style: chr10-84201841-G-A. GRCh37 (hg19) VCF-style: chr10-85961597-G-A.
Other names: c.560G>A, p.Ser187Asn (NM_001171971.3); short protein forms S187N.
Identifiers: ClinVar variation 864242 (VCV000864242.9), dbSNP rs763318304, ClinGen allele CA5579589.